The following is an entry in ClinVar:

ClinVar aggregate classification (germline): Uncertain significance (1 of 4 stars; one submission).

Conditions:
Hereditary cancer-predisposing syndrome. Also called: Tumor predisposition; Neoplastic Syndromes, Hereditary; Hereditary Cancer Syndrome; Hereditary neoplastic syndrome. Identifiers: Orphanet 140162, MedGen C0027672, MeSH D009386, MONDO:0015356.

Submission:

Ambry Genetics
Classification: Uncertain significance for Hereditary cancer-predisposing syndrome. Last evaluated: 2021-08-04. Review status: criteria provided, single submitter. Criteria: Ambry Variant Classification Scheme 2023. Collection method: clinical testing. Allele origin: germline.
Comment: The p.G105W variant (also known as c.313G>T), located in coding exon 2 of the SMARCA4 gene, results from a G to T substitution at nucleotide position 313. The glycine at codon 105 is replaced by tryptophan, an amino acid with highly dissimilar properties. This amino acid position is highly conserved in available vertebrate species. In addition, this alteration is predicted to be deleterious by in silico analysis. Missense and in-frame variants in SMARCA4 are known to cause neurodevelopmental disorders; however, such associations with rhabdoid tumor predisposition syndrome including small cell carcinoma of the ovary-hypercalcemic type (SCCOHT) are exceedingly rare (Kosho T et al. Am J Med Genet C Semin Med Genet. 2014 Sep;166C(3):262-75; Jelinic P et al. Nat Genet. 2014 May;46(5):424-6). Since supporting evidence is limited at this time, the clinical significance of this alteration remains unclear.

NM_003072.5(SMARCA4):c.313G>T (p.Gly105Trp)

Gene: SMARCA4 (SWI/SNF related BAF chromatin remodeling complex subunit ATPase 4; plus strand). Cytogenetic location: 19p13.2.
Variant type: single nucleotide variant.
Coding change: c.313G>T on transcript NM_003072.5 (MANE Select); coding-DNA position 313, G replaced by T.
Protein change: p.Gly105Trp; replaces glycine 105 with tryptophan.
Molecular consequence: missense variant. On other transcripts: non-coding transcript variant (1).
Genome position (GRCh38, 1-based): chr19:10,985,363, G>T. VCF-style: chr19-10985363-G-T. GRCh37 (hg19) VCF-style: chr19-11096039-G-T.
Other names: c.313G>T, p.Gly105Trp (NM_001128844.3, NM_001128845.2, NM_001128846.2 and 6 more transcripts); short protein forms G105W.
Identifiers: ClinVar variation 1728079 (VCV001728079.2), dbSNP rs1060502074, ClinGen allele CA404055272.
Genomic context (GRCh38, chr19:10,985,363, plus strand): 5'-TCGGACGACCCGCGCTACAACCAGATGAAAGGAATGGGGATGCGGTCAGGGGGCCATGCT[G>T]GGATGGGGCCCCCGCCCAGCCCCATGGACCAGCACTCCCAAGGTACAGAACTGCGTTCCT-3'
Protein context (NP_003063.2, residues 95-115): GMGMRSGGHA[Gly105Trp]MGPPPSPMDQ